The following is an entry in ClinVar:

ClinVar aggregate classification (germline): Uncertain significance (1 of 4 stars; one submission).

Conditions:
IFT74-related disorder. Also called: IFT74-Related Disorders; IFT74-related condition.

gnomAD v4.1: 6 of 1,608,232 alleles (0.00037%); highest among the groups gnomAD compares: African/African-American, 0.008%; no homozygotes.

Submission:

PreventionGenetics, part of Exact Sciences
Classification: Uncertain significance for IFT74-related condition. Last evaluated: 2026-02-02. Review status: criteria provided, single submitter. Criteria: ACMG Guidelines, 2015. Collection method: clinical testing. Allele origin: germline.
Comment: The IFT74 c.1293A>C variant is predicted to result in the amino acid substitution p.Glu431Asp. This variant was reported in an individual with obesity (also heterozygous for a PCSK1 risk variant, Supplementary Table 1, Roberts et al. 2022. PubMed ID: 35562395). This variant is reported in 0.023% of alleles in individuals of African descent in gnomAD. At this time, the clinical significance of this variant is uncertain due to the absence of conclusive functional and genetic evidence.

NM_025103.4(IFT74):c.1293A>C (p.Glu431Asp)

Gene: IFT74 (intraflagellar transport 74; plus strand). Cytogenetic location: 9p21.2.
Variant type: single nucleotide variant.
Coding change: c.1293A>C on transcript NM_025103.4 (MANE Select); coding-DNA position 1293, A replaced by C.
Protein change: p.Glu431Asp; replaces glutamic acid 431 with aspartic acid.
Molecular consequence: missense variant.
Genome position (GRCh38, 1-based): chr9:27,048,234, A>C. VCF-style: chr9-27048234-A-C. GRCh37 (hg19) VCF-style: chr9-27048232-A-C.
Other names: c.1293A>C, p.Glu431Asp (NM_001099222.3, NM_001099223.3, NM_001349928.2); short protein forms E431D.
Identifiers: ClinVar variation 4978216 (VCV004978216.1).